The following is an entry in ClinVar:

ClinVar aggregate classification (germline): Uncertain significance (1 of 4 stars; one submission).

Submission:

GeneDx
Classification: Uncertain significance. Last evaluated: 2024-02-16. Review status: criteria provided, single submitter. Criteria: GeneDx Variant Classification Process June 2021. Collection method: clinical testing. Allele origin: germline. Affected: yes.
Comment: Not observed at significant frequency in large population cohorts (gnomAD); In silico analysis supports that this missense variant does not alter protein structure/function; Has not been previously published as pathogenic or benign to our knowledge

NM_015057.5(MYCBP2):c.11371A>G (p.Asn3791Asp)

Genes: MYCBP2 (MYC binding protein 2; minus strand), MYCBP2-AS1 (MYCBP2 antisense RNA 1; plus strand). Cytogenetic location: 13q22.3.
Variant type: single nucleotide variant.
Coding change: c.11371A>G on transcript NM_015057.5 (MANE Select); coding-DNA position 11371, A replaced by G.
Protein change: p.Asn3791Asp; replaces asparagine 3791 with aspartic acid.
Molecular consequence: missense variant.
Genome position (GRCh38, 1-based): chr13:77,081,474, T>C on the plus strand (A>G on the coding strand, the complement: MYCBP2 is on the minus strand). VCF-style: chr13-77081474-T-C. GRCh37 (hg19) VCF-style: chr13-77655609-T-C.
Other names: short protein forms N3791D.
Identifiers: ClinVar variation 3369359 (VCV003369359.1).